The following is an entry in ClinVar:

NM_015041.3(CLUAP1):c.196A>T (p.Ile66Phe)

Gene: CLUAP1 (clusterin associated protein 1; plus strand). Cytogenetic location: 16p13.3.
Variant type: single nucleotide variant.
Coding change: c.196A>T on transcript NM_015041.3 (MANE Select); coding-DNA position 196, A replaced by T.
Protein change: p.Ile66Phe; replaces isoleucine 66 with phenylalanine.
Molecular consequence: missense variant.
Genome position (GRCh38, 1-based): chr16:3,506,392, A>T. VCF-style: chr16-3506392-A-T. GRCh37 (hg19) VCF-style: chr16-3556392-A-T.
Other names: c.196A>T, p.Ile66Phe (NM_001330454.2); short protein forms I66F.
Identifiers: ClinVar variation 3662494 (VCV003662494.2).

ClinVar aggregate classification (germline): Uncertain significance (1 of 4 stars; one submission).

Submission:

Labcorp Genetics (formerly Invitae), Labcorp
Classification: Uncertain significance. Last evaluated: 2024-08-14. Review status: criteria provided, single submitter. Criteria: Invitae Variant Classification Sherloc (09022015). Collection method: clinical testing. Allele origin: germline.
Comment: This sequence change replaces isoleucine, which is neutral and non-polar, with phenylalanine, which is neutral and non-polar, at codon 66 of the CLUAP1 protein (p.Ile66Phe). This variant is not present in population databases (gnomAD no frequency). This variant has not been reported in the literature in individuals affected with CLUAP1-related conditions. Invitae Evidence Modeling of protein sequence and biophysical properties (such as structural, functional, and spatial information, amino acid conservation, physicochemical variation, residue mobility, and thermodynamic stability) has been performed for this missense variant. However, the output from this modeling did not meet the statistical confidence thresholds required to predict the impact of this variant on CLUAP1 protein function. In summary, the available evidence is currently insufficient to determine the role of this variant in disease. Therefore, it has been classified as a Variant of Uncertain Significance.